The following is an entry in ClinVar:

NM_001242957.3(MAK):c.1072C>A (p.Pro358Thr)

Gene: MAK (male germ cell associated kinase; minus strand). Cytogenetic location: 6p24.2.
Variant type: single nucleotide variant.
Coding change: c.1072C>A on transcript NM_001242957.3 (MANE Select); coding-DNA position 1072, C replaced by A.
Protein change: p.Pro358Thr; replaces proline 358 with threonine.
Molecular consequence: missense variant. On other transcripts: non-coding transcript variant (2).
Genome position (GRCh38, 1-based): chr6:10,796,069, G>T on the plus strand (C>A on the coding strand, the complement: MAK is on the minus strand). VCF-style: chr6-10796069-G-T. GRCh37 (hg19) VCF-style: chr6-10796302-G-T.
Other names: c.1072C>A, p.Pro358Thr (NM_001242385.2, NM_005906.6); c.970C>A, p.Pro324Thr (NM_001377262.1); short protein forms P324T, P358T.
Identifiers: ClinVar variation 2124999 (VCV002124999.4), dbSNP rs2532426123, ClinGen allele CA362719295.
Genomic context (GRCh38, chr6:10,796,069, plus strand): 5'-TTTTGACGATGCTCGGGAATAGCGTTTGTGGCGGTTTCTCCTGACTCTGTTGCTTTGGAG[G>T]TTGCTGGACGCTCAGGTTCTGTGGCGGCTGAATGGGCTGCAGTGGCTGCTGGCTAGTTTT-3'
Protein context (NP_001229886.1, residues 348-368): QPPQNLSVQQ[Pro358Thr]PKQQSQEKPP

ClinVar aggregate classification (germline): Uncertain significance (1 of 4 stars; one submission).

Submission:

Labcorp Genetics (formerly Invitae), Labcorp
Classification: Uncertain significance. Last evaluated: 2022-04-11. Review status: criteria provided, single submitter. Criteria: Invitae Variant Classification Sherloc (09022015). Collection method: clinical testing. Allele origin: germline.
Comment: In summary, the available evidence is currently insufficient to determine the role of this variant in disease. Therefore, it has been classified as a Variant of Uncertain Significance. Advanced modeling of protein sequence and biophysical properties (such as structural, functional, and spatial information, amino acid conservation, physicochemical variation, residue mobility, and thermodynamic stability) performed at Invitae indicates that this missense variant is not expected to disrupt MAK protein function. This variant has not been reported in the literature in individuals affected with MAK-related conditions. This variant is not present in population databases (gnomAD no frequency). This sequence change replaces proline, which is neutral and non-polar, with threonine, which is neutral and polar, at codon 358 of the MAK protein (p.Pro358Thr).